The following is an entry in ClinVar:

NM_001077365.2(POMT1):c.1637G>C (p.Ser546Thr)

Gene: POMT1 (protein O-mannosyltransferase 1; plus strand). Cytogenetic location: 9q34.13.
Variant type: single nucleotide variant.
Coding change: c.1637G>C on transcript NM_001077365.2 (MANE Select); coding-DNA position 1637, G replaced by C.
Protein change: p.Ser546Thr; replaces serine 546 with threonine.
Molecular consequence: missense variant. On other transcripts: non-coding transcript variant (10).
Genome position (GRCh38, 1-based): chr9:131,520,132, G>C. VCF-style: chr9-131520132-G-C. GRCh37 (hg19) VCF-style: chr9-134395519-G-C.
Other names: c.1703G>C, p.Ser568Thr (NM_001353193.2, NM_007171.4); c.1475G>C, p.Ser492Thr (NM_001353194.2, NM_001077366.2); c.1286G>C, p.Ser429Thr (NM_001353195.2, NM_001374691.1, NM_001374692.1 and 2 more transcripts); c.1547G>C, p.Ser516Thr (NM_001353196.2); c.1541G>C, p.Ser514Thr (NM_001353197.2, NM_001353198.2); c.1352G>C, p.Ser451Thr (NM_001353199.2); c.1181G>C, p.Ser394Thr (NM_001353200.2); c.1625G>C, p.Ser542Thr (NM_001374689.1); and 3 more; short protein forms S451T, S473T, S514T, S516T, S394T, S542T, S568T, S416T.
Identifiers: ClinVar variation 1027729 (VCV001027729.1), dbSNP rs1949619639, ClinGen allele CA375313125.

ClinVar aggregate classification (germline): Uncertain significance (1 of 4 stars; one submission).

Conditions:
Muscular dystrophy-dystroglycanopathy (congenital with impaired intellectual development), type B, 1. Also called: MUSCULAR DYSTROPHY, CONGENITAL, POMT1-RELATED; Muscular dystrophy-dystroglycanopathy (congenital with intellectual disability), type B1. Identifiers: MedGen C5436962, MONDO:0013159, OMIM 613155.

Submission:

Baylor Genetics
Classification: Uncertain significance for Muscular dystrophy-dystroglycanopathy (congenital with impaired intellectual development), type B, 1. Last evaluated: 2019-04-09. Review status: criteria provided, single submitter. Criteria: ACMG Guidelines, 2015. Collection method: clinical testing. Allele origin: maternal. Affected: yes.
Comment: This variant was determined to be of uncertain significance according to ACMG Guidelines, 2015 [PMID:25741868].